The following is an entry in ClinVar:

ClinVar aggregate classification (germline): Uncertain significance. Review status: criteria provided, multiple submitters, no conflicts (2 of 4 stars). 2 submissions from 2 submitters: Uncertain significance (2). Last evaluated 2022-11-02.

Conditions:
Hereditary cancer-predisposing syndrome. Also called: Hereditary neoplastic syndrome; Neoplastic Syndromes, Hereditary; Tumor predisposition; Hereditary Cancer Syndrome. Identifiers: Orphanet 140162, MedGen C0027672, MeSH D009386, MONDO:0015356.
Familial meningioma. Also called: Meningioma, familial, susceptibility to. Identifiers: Orphanet 263662, MedGen C3551915, MONDO:0011789, OMIM 607174.

Submissions (2):

Ambry Genetics
Classification: Uncertain significance for Hereditary cancer-predisposing syndrome. Last evaluated: 2022-11-02. Review status: criteria provided, single submitter. Criteria: Ambry Variant Classification Scheme 2023. Collection method: clinical testing. Allele origin: germline.
Comment: The p.E368D variant (also known as c.1104G>C), located in coding exon 10 of the SMARCE1 gene, results from a G to C substitution at nucleotide position 1104. The glutamic acid at codon 368 is replaced by aspartic acid, an amino acid with highly similar properties. This amino acid position is highly conserved in available vertebrate species. In addition, this alteration is predicted to be tolerated by in silico analysis. Missense and in-frame variants in SMARCE1 are known to cause neurodevelopmental disorders; however, such associations with increased risk of meningiomas are exceedingly rare (Kosho T et al. Am J Med Genet C Semin Med Genet. 2014 Sep;166C(3):262-75; Smith JM et al. Nat Genet. 2013 Mar;45(3):295-8). Based on the supporting evidence, the association of this alteration with Coffin-Siris syndrome is unknown; however, the association of this alteration with an increased risk of meningiomas is unlikely.

Labcorp Genetics (formerly Invitae), Labcorp
Classification: Uncertain significance for Familial meningioma. Last evaluated: 2022-03-28. Review status: criteria provided, single submitter. Criteria: Invitae Variant Classification Sherloc (09022015). Collection method: clinical testing. Allele origin: germline.
Comment: In summary, the available evidence is currently insufficient to determine the role of this variant in disease. Therefore, it has been classified as a Variant of Uncertain Significance. Algorithms developed to predict the effect of missense changes on protein structure and function (SIFT, PolyPhen-2, Align-GVGD) all suggest that this variant is likely to be tolerated. ClinVar contains an entry for this variant (Variation ID: 1005441). This variant has not been reported in the literature in individuals affected with SMARCE1-related conditions. This variant is not present in population databases (gnomAD no frequency). This sequence change replaces glutamic acid, which is acidic and polar, with aspartic acid, which is acidic and polar, at codon 368 of the SMARCE1 protein (p.Glu368Asp).

NM_003079.5(SMARCE1):c.1104G>C (p.Glu368Asp)

Gene: SMARCE1 (SWI/SNF related BAF chromatin remodeling complex subunit E1; minus strand). Cytogenetic location: 17q21.2.
Variant type: single nucleotide variant.
Coding change: c.1104G>C on transcript NM_003079.5 (MANE Select); coding-DNA position 1104, G replaced by C.
Protein change: p.Glu368Asp; replaces glutamic acid 368 with aspartic acid.
Molecular consequence: missense variant.
Genome position (GRCh38, 1-based): chr17:40,628,917, C>G on the plus strand (G>C on the coding strand, the complement: SMARCE1 is on the minus strand). VCF-style: chr17-40628917-C-G. GRCh37 (hg19) VCF-style: chr17-38785169-C-G.
Other names: c.1104G>C (NM_003079.4); short protein forms E368D.
Identifiers: ClinVar variation 1005441 (VCV001005441.10), dbSNP rs2037062159, ClinGen allele CA399361409.
Genomic context (GRCh38, chr17:40,628,917, plus strand): 5'-GCCAGTGTTACTATCACTGGTTCCTTCCTCTGCCATACTGTCGACCCCCTCCTGCCCACT[C>G]TCCTTGTCCTCAGGAGTAGACGTGCCTTCTTCACCATTCTGTTGGCTCTCTGTTGTTTCT-3'
Protein context (NP_003070.3, residues 358-378): EEGTSTPEDK[Glu368Asp]SGQEGVDSMA